The following is an entry in ClinVar:

NM_004364.5(CEBPA):c.179dup (p.Ser61fs)

Gene: CEBPA (CCAAT enhancer binding protein alpha; minus strand). Cytogenetic location: 19q13.11.
Variant type: Duplication.
Coding change: c.179dup on transcript NM_004364.5 (MANE Select); coding-DNA position 179, one base duplicated (C; older notation c.179dupC).
Protein change: p.Ser61fs; shifts the reading frame from serine 61.
Molecular consequence: frameshift variant. On other transcripts: 5 prime UTR variant (1).
Genome position (GRCh38, 1-based): chr19:33,302,236, G duplicated on the plus strand (C on the coding strand, the reverse complement: CEBPA is on the minus strand). VCF-style (leftmost placement, unchanged base first): chr19-33302235-C-CG. GRCh37 (hg19) VCF-style: chr19-33793141-C-CG.
Other names: c.-179dup (NM_001285829.2); c.284dup, p.Ser96fs (NM_001287424.2); c.137dup, p.Ser47fs (NM_001287435.2); short protein forms S96fs, S61fs, S47fs.
Identifiers: ClinVar variation 2850044 (VCV002850044.3), dbSNP rs2513332810, ClinGen allele CA645612845.

ClinVar aggregate classification (germline): Pathogenic (1 of 4 stars; one submission).

Conditions:
Acute myeloid leukemia (AML). Also called: Acute myeloid leukemia, adult; AML adult; Acute non-lymphocytic leukemia; Acute granulocytic leukemia; Leukemia, acute myeloid, somatic; Leukemia, acute myelogenous, somatic. Identifiers: Orphanet 519, MedGen C0023467, MeSH D015470, MONDO:0018874, OMIM 601626, HP:0004808. Disease mechanism: Constitutively activated FLT3.

Submission:

Labcorp Genetics (formerly Invitae), Labcorp
Classification: Pathogenic for Acute myeloid leukemia. Last evaluated: 2023-04-19. Review status: criteria provided, single submitter. Criteria: Invitae Variant Classification Sherloc (09022015). Collection method: clinical testing. Allele origin: germline.
Comment: For these reasons, this variant has been classified as Pathogenic. This variant disrupts the region of the CEBPA protein between codon 1 and 120. Other variants in this region have been observed in individuals with autosomal dominant CEBPA-related conditions (PMID: 11242107, 31867767, 32430494; Invitae), which suggests that this may be a clinically significant region of the protein. This variant disrupts the production of the full length isoform (p42) of the CEBPA protein, which results in the preferential usage of an alternate downstream in-frame methionine at codon 120. Translation starting from this methionine results in a 30 kDa N-terminal truncated isoform of CEBPA that lacks the TAD1 domain, and has been shown to abrogate CEBPA function by acting as a dominant-negative allele (PMID: 11242107, 19953636, 26162409). While functional studies have not been performed to directly test the effect of this variant on CEBPA protein function, this suggests that disruption of this region of the protein is causative of disease. This variant has not been reported in the literature in individuals affected with CEBPA-related conditions. This variant is not present in population databases (gnomAD no frequency). This sequence change creates a premature translational stop signal (p.Ser61Valfs*47) in the CEBPA gene. While this is not anticipated to result in nonsense mediated decay, it is expected to disrupt the last 298 amino acid(s) of the CEBPA protein.

Literature cited by the submitters: PubMed 11242107; PubMed 31867767; PubMed 32430494; PubMed 19953636; PubMed 26162409.